The following is an entry in ClinVar:

NM_005159.5(ACTC1):c.725A>G (p.Tyr242Cys)

Genes: ACTC1 (actin alpha cardiac muscle 1; minus strand), GJD2-DT (GJD2 divergent transcript; plus strand). Cytogenetic location: 15q14.
Variant type: single nucleotide variant.
Coding change: c.725A>G on transcript NM_005159.5 (MANE Select); coding-DNA position 725, A replaced by G.
Protein change: p.Tyr242Cys; replaces tyrosine 242 with cysteine.
Molecular consequence: missense variant.
Genome position (GRCh38, 1-based): chr15:34,792,173, T>C on the plus strand (A>G on the coding strand, the complement: ACTC1 is on the minus strand). VCF-style: chr15-34792173-T-C. GRCh37 (hg19) VCF-style: chr15-35084374-T-C.
Other names: short protein forms Y242C.
Identifiers: ClinVar variation 1476025 (VCV001476025.8), dbSNP rs2140430561, ClinGen allele CA391630106.
Genomic context (GRCh38, chr15:34,792,173, plus strand): 5'-GTCTCAGGACAGCGGAAGCGCTCATTGCCAATAGTGATGACTTGGCCATCAGGCAGTTCA[T>C]AGCTCTTCTCCAGGGAGGAGGAAGAGGCAGCTGTGGCCATCTCATTCTCAAAATCCAGGG-3'
Protein context (NP_005150.1, residues 232-252): AASSSSLEKS[Tyr242Cys]ELPDGQVITI

ClinVar aggregate classification (germline): Conflicting classifications of pathogenicity. Review status: criteria provided, conflicting classifications (1 of 4 stars). 4 submissions from 2 submitters: Likely pathogenic (1); Uncertain significance (3). Last evaluated 2026-01-11.

Conditions:
Dilated cardiomyopathy 1R (CMD1R). Identifiers: Orphanet 154, Orphanet 54260, MedGen C3150681, MONDO:0013261, OMIM 613424.
Atrial septal defect 5 (ASD5). Identifiers: Orphanet 1478, MedGen C2748552, MONDO:0013011, OMIM 612794.
Hypertrophic cardiomyopathy 11. Also called: ACTC1-Related Familial Hypertrophic Cardiomyopathy. Identifiers: MedGen C2677506, MONDO:0012799, OMIM 612098.

Submissions (4):

Labcorp Genetics (formerly Invitae), Labcorp
Classification: Likely pathogenic for Dilated cardiomyopathy 1R; Hypertrophic cardiomyopathy 11; Atrial septal defect 5. Last evaluated: 2026-01-11. Review status: criteria provided, single submitter. Criteria: Invitae Variant Classification Sherloc (09022015). Collection method: clinical testing. Allele origin: germline.
Comment: This sequence change replaces tyrosine, which is neutral and polar, with cysteine, which is neutral and slightly polar, at codon 242 of the ACTC1 protein (p.Tyr242Cys). This variant is not present in population databases (gnomAD no frequency). This missense change has been observed in individual(s) with dilated cardiomyopathy (internal data). In at least one individual the variant was observed to be de novo. ClinVar contains an entry for this variant (Variation ID: 1476025). Invitae Evidence Modeling of protein sequence and biophysical properties (such as structural, functional, and spatial information, amino acid conservation, physicochemical variation, residue mobility, and thermodynamic stability) indicates that this missense variant is not expected to disrupt ACTC1 protein function with a negative predictive value of 80%. In summary, the currently available evidence indicates that the variant is pathogenic, but additional data are needed to prove that conclusively. Therefore, this variant has been classified as Likely Pathogenic.

Baylor Genetics
Classification: Uncertain significance for Atrial septal defect 5. Last evaluated: 2021-01-29. Review status: criteria provided, single submitter. Criteria: ACMG Guidelines, 2015. Collection method: clinical testing. Allele origin: unknown.

Baylor Genetics
Classification: Uncertain significance for Dilated cardiomyopathy 1R. Last evaluated: 2021-01-29. Review status: criteria provided, single submitter. Criteria: ACMG Guidelines, 2015. Collection method: clinical testing. Allele origin: unknown.

Baylor Genetics
Classification: Uncertain significance for Hypertrophic cardiomyopathy 11. Last evaluated: 2021-01-29. Review status: criteria provided, single submitter. Criteria: ACMG Guidelines, 2015. Collection method: clinical testing. Allele origin: unknown.